The following is an entry in ClinVar:

NM_005120.3(MED12):c.6277C>G (p.Gln2093Glu)

Gene: MED12 (mediator complex subunit 12; plus strand). Cytogenetic location: Xq13.1.
Variant type: single nucleotide variant.
Coding change: c.6277C>G on transcript NM_005120.3 (MANE Select); coding-DNA position 6277, C replaced by G.
Protein change: p.Gln2093Glu; replaces glutamine 2093 with glutamic acid.
Molecular consequence: missense variant.
Genome position (GRCh38, 1-based): chrX:71,141,239, C>G. VCF-style: chrX-71141239-C-G. GRCh37 (hg19) VCF-style: chrX-70361089-C-G.
Other names: short protein forms Q2093E.
Identifiers: ClinVar variation 4686861 (VCV004686861.1).

ClinVar aggregate classification (germline): Uncertain significance (1 of 4 stars; one submission).

Submission:

GeneDx
Classification: Uncertain significance. Last evaluated: 2025-07-22. Review status: criteria provided, single submitter. Criteria: GeneDx Variant Classification Process June 2021. Collection method: clinical testing. Allele origin: germline. Affected: yes.
Comment: Not observed at significant frequency in large population cohorts (gnomAD); In silico analysis suggests that this missense variant does not alter protein structure/function; Has not been previously published as pathogenic or benign to our knowledge